The following is an entry in ClinVar:

NM_000391.4(TPP1):c.3G>C (p.Met1Ile)

Gene: TPP1 (tripeptidyl peptidase 1; minus strand). Cytogenetic location: 11p15.4.
Variant type: single nucleotide variant.
Coding change: c.3G>C on transcript NM_000391.4 (MANE Select); coding-DNA position 3, G replaced by C.
Protein change: p.Met1Ile; changes the start codon (methionine 1).
Molecular consequence: missense variant, initiator codon variant.
Genome position (GRCh38, 1-based): chr11:6,619,398, C>G on the plus strand (G>C on the coding strand, the complement: TPP1 is on the minus strand). VCF-style: chr11-6619398-C-G. GRCh37 (hg19) VCF-style: chr11-6640629-C-G.
Other names: short protein forms M1I.
Identifiers: ClinVar variation 1471492 (VCV001471492.8), dbSNP rs2134599310, ClinGen allele CA379477121.

ClinVar aggregate classification (germline): Pathogenic (1 of 4 stars; one submission).

Allele frequency attached by ClinVar (database versions not stated): gnomAD exomes below 0.00001.

Submission:

Labcorp Genetics (formerly Invitae), Labcorp
Classification: Pathogenic. Last evaluated: 2023-07-14. Review status: criteria provided, single submitter. Criteria: Invitae Variant Classification Sherloc (09022015). Collection method: clinical testing. Allele origin: germline.
Comment: For these reasons, this variant has been classified as Pathogenic. This variant disrupts a region of the TPP1 protein in which other variant(s) (p.Arg206Cys) have been determined to be pathogenic (PMID: 20340139, 22832778, 30541466). This suggests that this is a clinically significant region of the protein, and that variants that disrupt it are likely to be disease-causing. ClinVar contains an entry for this variant (Variation ID: 1471492). Disruption of the initiator codon has been observed in individual(s) with neuronal ceroid lipofuscinosis (PMID: 34849271). This variant is not present in population databases (gnomAD no frequency). This sequence change affects the initiator methionine of the TPP1 mRNA. The next in-frame methionine is located at codon 244.

Literature cited by the submitters: PubMed 20340139; PubMed 22832778; PubMed 30541466; PubMed 34849271.